The following is an entry in ClinVar:

ClinVar aggregate classification (germline): Likely pathogenic (1 of 4 stars; one submission).

Allele frequency attached by ClinVar (database versions not stated): gnomAD exomes below 0.00001; gnomAD 0.00001; TOPMed 0.00001.
gnomAD v4.1: 3 of 1,613,934 alleles (0.00019%); highest among the groups gnomAD compares: Non-Finnish European, 0.00025%; no homozygotes.

Submission:

GeneDx
Classification: Likely pathogenic. Last evaluated: 2026-02-21. Review status: criteria provided, single submitter. Criteria: GeneDx Variant Classification Process June 2021. Collection method: clinical testing. Allele origin: germline.
Comment: Nonsense variant predicted to result in protein truncation or nonsense mediated decay in a gene for which loss of function is a known mechanism of disease; Not observed at significant frequency in large population cohorts (gnomAD); Has not been previously published as pathogenic or benign to our knowledge

NM_025150.5(TARS2):c.191C>G (p.Ser64Ter)

Gene: TARS2 (threonyl-tRNA synthetase 2, mitochondrial; plus strand). Cytogenetic location: 1q21.2.
Variant type: single nucleotide variant.
Coding change: c.191C>G on transcript NM_025150.5 (MANE Select); coding-DNA position 191, C replaced by G.
Protein change: p.Ser64Ter; replaces serine 64 with a stop codon.
Molecular consequence: nonsense. On other transcripts: non-coding transcript variant (2).
Genome position (GRCh38, 1-based): chr1:150,487,982, C>G. VCF-style: chr1-150487982-C-G. GRCh37 (hg19) VCF-style: chr1-150460458-C-G.
Other names: c.191C>G, p.Ser64Ter (NM_001271895.2, NM_001271896.2); short protein forms S64*.
Identifiers: ClinVar variation 2663569 (VCV002663569.2), dbSNP rs1287843869, ClinGen allele CA342317706.